The following is an entry in ClinVar:

NM_001370298.3(FGD4):c.727A>G (p.Lys243Glu)

Gene: FGD4 (FYVE, RhoGEF and PH domain containing 4; plus strand). Cytogenetic location: 12p11.21.
Variant type: single nucleotide variant.
Coding change: c.727A>G on transcript NM_001370298.3 (MANE Select); coding-DNA position 727, A replaced by G.
Protein change: p.Lys243Glu; replaces lysine 243 with glutamic acid.
Molecular consequence: missense variant. On other transcripts: 5 prime UTR variant (2), non-coding transcript variant (1), intron variant (1).
Genome position (GRCh38, 1-based): chr12:32,582,183, A>G. VCF-style: chr12-32582183-A-G. GRCh37 (hg19) VCF-style: chr12-32735117-A-G.
Other names: c.571A>G, p.Lys191Glu (NM_001304481.2); c.-529A>G (NM_001304483.2); c.-836A>G (NM_001304484.2); c.37A>G, p.Lys13Glu (NM_001330373.2, NM_001330374.2, NM_001384130.1); c.727A>G, p.Lys243Glu (NM_001384126.1); c.316A>G, p.Lys106Glu (NM_001384127.1, NM_001384128.1, NM_001384131.1 and 3 more transcripts); c.49-16314A>G (NM_001370297.1); short protein forms K106E, K13E, K191E, K243E.
Identifiers: ClinVar variation 859067 (VCV000859067.9), dbSNP rs1320412245, ClinGen allele CA384356002.

ClinVar aggregate classification (germline): Uncertain significance (1 of 4 stars; one submission).

Conditions:
Charcot-Marie-Tooth disease type 4. Also called: Charcot-Marie-Tooth disease, type IV; Charcot-Marie-Tooth, Type 4. Identifiers: Orphanet 64749, MedGen C4082197, MONDO:0018995.

Allele frequency attached by ClinVar (database versions not stated): gnomAD exomes below 0.00001.
gnomAD v4.1: 1 of 1,614,130 alleles (0.000062%); highest among the groups gnomAD compares: Admixed American, 0.0017%; no homozygotes.

Submission:

Labcorp Genetics (formerly Invitae), Labcorp
Classification: Uncertain significance for Charcot-Marie-Tooth disease type 4. Last evaluated: 2021-05-18. Review status: criteria provided, single submitter. Criteria: Invitae Variant Classification Sherloc (09022015). Collection method: clinical testing. Allele origin: germline.
Comment: In summary, the available evidence is currently insufficient to determine the role of this variant in disease. Therefore, it has been classified as a Variant of Uncertain Significance. Algorithms developed to predict the effect of missense changes on protein structure and function are either unavailable or do not agree on the potential impact of this missense change (SIFT: "Deleterious"; PolyPhen-2: "Benign"; Align-GVGD: "Class C15"). This variant has not been reported in the literature in individuals with FGD4-related conditions. This variant is not present in population databases (ExAC no frequency). This sequence change replaces lysine with glutamic acid at codon 106 of the FGD4 protein (p.Lys106Glu). The lysine residue is highly conserved and there is a small physicochemical difference between lysine and glutamic acid.